The following is an entry in ClinVar:

NM_001267550.2(TTN):c.8732C>A (p.Pro2911His)

Gene: TTN (titin; minus strand). Cytogenetic location: 2q31.2.
Variant type: single nucleotide variant.
Coding change: c.8732C>A on transcript NM_001267550.2 (MANE Select); coding-DNA position 8732, C replaced by A.
Protein change: p.Pro2911His; replaces proline 2911 with histidine.
Molecular consequence: missense variant.
Genome position (GRCh38, 1-based): chr2:178,769,849, G>T on the plus strand (C>A on the coding strand, the complement: TTN is on the minus strand). VCF-style: chr2-178769849-G-T. GRCh37 (hg19) VCF-style: chr2-179634576-G-T.
Other names: c.8732C>A, p.Pro2911His (NM_001256850.1, NM_133378.4, NM_133379.5); c.8594C>A, p.Pro2865His (NM_003319.4, NM_133432.3, NM_133437.4); short protein forms P2865H, P2911H.
Identifiers: ClinVar variation 2632151 (VCV002632151.1), dbSNP rs770166191, ClinGen allele CA349676724.

ClinVar aggregate classification (germline): Uncertain significance (1 of 4 stars; one submission).

Conditions:
TTN-related disorder. Also called: TTN-related condition; TTN-related disease; TTN-related disorders.

Submission:

PreventionGenetics, part of Exact Sciences
Classification: Uncertain significance for TTN-related condition. Last evaluated: 2023-06-13. Review status: criteria provided, single submitter. Criteria: ACMG Guidelines, 2015. Collection method: clinical testing. Allele origin: germline.
Comment: The TTN c.8732C>A variant is predicted to result in the amino acid substitution p.Pro2911His. To our knowledge, this variant has not been reported in the literature or in a large population database, indicating this variant is rare. At this time, the clinical significance of this variant is uncertain due to the absence of conclusive functional and genetic evidence.